The following is an entry in ClinVar:

NM_001042681.2(RERE):c.4369G>A (p.Asp1457Asn)

Gene: RERE (arginine-glutamic acid dipeptide repeats; minus strand). Cytogenetic location: 1p36.23.
Variant type: single nucleotide variant.
Coding change: c.4369G>A on transcript NM_001042681.2 (MANE Select); coding-DNA position 4369, G replaced by A.
Protein change: p.Asp1457Asn; replaces aspartic acid 1457 with asparagine.
Molecular consequence: missense variant.
Genome position (GRCh38, 1-based): chr1:8,356,217, C>T on the plus strand (G>A on the coding strand, the complement: RERE is on the minus strand). VCF-style: chr1-8356217-C-T. GRCh37 (hg19) VCF-style: chr1-8416277-C-T.
Other names: c.2707G>A, p.Asp903Asn (NM_001042682.2); c.4369G>A, p.Asp1457Asn (NM_012102.4); short protein forms D1457N, D903N.
Identifiers: ClinVar variation 4531116 (VCV004531116.1).

ClinVar aggregate classification (germline): Uncertain significance (1 of 4 stars; one submission).

gnomAD v4.1: 7 of 1,524,730 alleles (0.00046%); highest among the groups gnomAD compares: East Asian, 0.0027%; no homozygotes.

Submission:

GeneDx
Classification: Uncertain significance. Last evaluated: 2025-05-22. Review status: criteria provided, single submitter. Criteria: GeneDx Variant Classification Process June 2021. Collection method: clinical testing. Allele origin: germline. Affected: yes.
Comment: In silico analysis supports that this missense variant has a deleterious effect on protein structure/function; Has not been previously published as pathogenic or benign to our knowledge